The following is an entry in ClinVar:

NM_018180.3(DHX32):c.2176del (p.Glu726fs)

Genes: BCCIP (BRCA2 and CDKN1A interacting protein; plus strand), DHX32 (DEAH-box helicase 32 (putative); minus strand). Cytogenetic location: 10q26.2.
Variant type: Deletion.
Coding change: c.2176del on transcript NM_018180.3 (MANE Select); coding-DNA position 2176, one base deleted (G; older notation c.2176delG).
Protein change: p.Glu726fs; shifts the reading frame from glutamic acid 726.
Molecular consequence: frameshift variant. On other transcripts: intron variant (2).
Genome position (GRCh38, 1-based): chr10:125,836,743, C deleted on the plus strand (G on the coding strand, the reverse complement: DHX32 is on the minus strand); the first of 2 consecutive C bases (chr10:125,836,743-125,836,744); deleting either gives the same sequence. VCF-style (leftmost placement, unchanged base first): chr10-125836742-TC-T. GRCh37 (hg19) VCF-style: chr10-127525311-TC-T.
Other names: c.774+2798del (NM_016567.4, NM_078469.3); short protein forms E726fs.
Identifiers: ClinVar variation 2136941 (VCV002136941.3), dbSNP rs772571642, ClinGen allele CA5738944.

ClinVar aggregate classification (germline): Uncertain significance (1 of 4 stars; one submission).

Submission:

Labcorp Genetics (formerly Invitae), Labcorp
Classification: Uncertain significance. Last evaluated: 2023-04-05. Review status: criteria provided, single submitter. Criteria: Invitae Variant Classification Sherloc (09022015). Collection method: clinical testing. Allele origin: germline.
Comment: Experimental studies and prediction algorithms are not available or were not evaluated, and the functional significance of this variant is currently unknown. In summary, the available evidence is currently insufficient to determine the role of this variant in disease. Therefore, it has been classified as a Variant of Uncertain Significance. ClinVar contains an entry for this variant (Variation ID: 2136941). This sequence change results in a frameshift in the DHX32 gene (p.Glu726Asnfs*57). While this is not anticipated to result in nonsense mediated decay, it is expected to disrupt the last 18 amino acid(s) of the DHX32 protein and extend the protein by 38 additional amino acid residues. This variant is present in population databases (rs772571642, gnomAD 0.01%). This frameshift has been observed in individual(s) with inherited retinal disease (PMID: 29320387).

Literature cited by the submitters: PubMed 29320387.